The following is an entry in ClinVar:

ClinVar aggregate classification (germline): Uncertain significance (1 of 4 stars; one submission).

gnomAD v4.1: 1 of 1,614,148 alleles (0.000062%); highest among the groups gnomAD compares: South Asian, 0.0011%; no homozygotes.

Submission:

Ambry Genetics
Classification: Uncertain significance. Last evaluated: 2025-11-08. Review status: criteria provided, single submitter. Criteria: Ambry Variant Classification Scheme 2023. Collection method: clinical testing. Allele origin: germline.
Comment: The p.S1059T variant (also known as c.3175T>A), located in coding exon 1 of the TET2 gene, results from a T to A substitution at nucleotide position 3175. The serine at codon 1059 is replaced by threonine, an amino acid with similar properties. This amino acid position is conserved. In addition, this alteration is predicted to be tolerated by in silico analysis. Based on the available evidence, the clinical significance of this variant remains unclear.

NM_001127208.3(TET2):c.3175T>A (p.Ser1059Thr)

Genes: TET2 (tet methylcytosine dioxygenase 2; plus strand), TET2-AS1 (TET2 antisense RNA 1; minus strand). Cytogenetic location: 4q24.
Variant type: single nucleotide variant.
Coding change: c.3175T>A on transcript NM_001127208.3 (MANE Select); coding-DNA position 3175, T replaced by A.
Protein change: p.Ser1059Thr; replaces serine 1059 with threonine.
Molecular consequence: missense variant.
Genome position (GRCh38, 1-based): chr4:105,237,117, T>A. VCF-style: chr4-105237117-T-A. GRCh37 (hg19) VCF-style: chr4-106158274-T-A.
Other names: c.3175T>A, p.Ser1059Thr (NM_017628.4); short protein forms S1059T.
Identifiers: ClinVar variation 4594193 (VCV004594193.1).
Genomic context (GRCh38, chr4:105,237,117, plus strand): 5'-TCGTTATTTGACCATAAGGCTCTTACTCTCAAATCACAGAAGCAAGTAAAAGTTGAAATG[T>A]CAGGGCCAGTCACAGTTTTGACTAGACAAACCACTGCTGCAGAACTTGATAGCCACACCC-3'
Protein context (NP_001120680.1, residues 1049-1069): KSQKQVKVEM[Ser1059Thr]GPVTVLTRQT